The following is an entry in ClinVar:

ClinVar aggregate classification (germline): Pathogenic (1 of 4 stars; one submission).

Conditions:
Neurofibromatosis, type 1 (NF1). Also called: VON RECKLINGHAUSEN DISEASE; Neurofibromatosis, type I; Peripheral type neurofibromatosis; NEUROFIBROMATOSIS, TYPE I, SOMATIC. Identifiers: Orphanet 636, MedGen C0027831, MONDO:0018975, OMIM 162200. Disease mechanism: loss of function.

Submission:

Labcorp Genetics (formerly Invitae), Labcorp
Classification: Pathogenic for Neurofibromatosis, type 1. Last evaluated: 2023-04-15. Review status: criteria provided, single submitter. Criteria: Invitae Variant Classification Sherloc (09022015). Collection method: clinical testing. Allele origin: germline.
Comment: This variant is not present in population databases (gnomAD no frequency). This sequence change creates a premature translational stop signal (p.Asp254Valfs*26) in the NF1 gene. It is expected to result in an absent or disrupted protein product. Loss-of-function variants in NF1 are known to be pathogenic (PMID: 10712197, 23913538). This variant has not been reported in the literature in individuals affected with NF1-related conditions. For these reasons, this variant has been classified as Pathogenic.

Literature cited by the submitters: PubMed 10712197; PubMed 23913538.

NM_001042492.3(NF1):c.761_764del (p.Asp254fs)

Gene: NF1 (neurofibromin 1; plus strand). Cytogenetic location: 17q11.2.
Variant type: Deletion.
Coding change: c.761_764del on transcript NM_001042492.3 (MANE Select); coding-DNA positions 761 to 764, 4 bases deleted (ATGG; older notation c.761_764delATGG).
Protein change: p.Asp254fs; shifts the reading frame from aspartic acid 254.
Molecular consequence: frameshift variant.
Genome position (GRCh38, 1-based): chr17:31,182,538-31,182,541, ATGG deleted; deleting any 4 consecutive bases within chr17:31,182,535-31,182,541 gives the same sequence; the c. name uses the placement nearest the transcript's 3' end. VCF-style (leftmost placement, unchanged base first): chr17-31182534-GTGGA-G. GRCh37 (hg19) VCF-style: chr17-29509552-GTGGA-G.
Other names: c.761_764del, p.Asp254fs (NM_001128147.3); c.761_764delATGG, p.Asp254Valfs (NM_000267.4); short protein forms D254fs.
Identifiers: ClinVar variation 2856730 (VCV002856730.3), dbSNP rs2544753293, ClinGen allele CA2739267322.